The following is an entry in ClinVar:

ClinVar aggregate classification (germline): Conflicting classifications of pathogenicity. Review status: criteria provided, conflicting classifications (1 of 4 stars). 2 submissions from 2 submitters: Uncertain significance (1); Benign (1). Last evaluated 2026-01-15.

Allele frequency attached by ClinVar (database versions not stated): ExAC 0.00001; gnomAD exomes 0.00002.
gnomAD v4.1: 4 of 1,614,166 alleles (0.00025%); highest among the groups gnomAD compares: Admixed American, 0.0067%; no homozygotes.

Submissions (2):

Women's Health and Genetics/Laboratory Corporation of America, LabCorp
Classification: Uncertain significance. Last evaluated: 2026-01-15. Review status: criteria provided, single submitter. Criteria: LabCorp Variant Classification Summary - May 2015. Collection method: clinical testing. Allele origin: germline.
Comment: Variant summary: MTOR c.2128C>G (p.Leu710Val) results in a conservative amino acid change in the encoded protein sequence. Algorithms developed to predict the effect of missense changes on protein structure and function are either unavailable or do not agree on the potential impact of this missense change. The variant allele was found at a frequency of 1.6e-05 in 250840 control chromosomes. The available data on variant occurrences in the general population are insufficient to allow any conclusion about variant significance. To our knowledge, no occurrence of c.2128C>G in individuals affected with MTOR-related conditions and no experimental evidence demonstrating its impact on protein function have been reported. ClinVar contains an entry for this variant (Variation ID: 641496). Based on the evidence outlined above, the variant was classified as uncertain significance.

Labcorp Genetics (formerly Invitae), Labcorp
Classification: Benign. Last evaluated: 2023-12-07. Review status: criteria provided, single submitter. Criteria: Invitae Variant Classification Sherloc (09022015). Collection method: clinical testing. Allele origin: germline.

NM_004958.4(MTOR):c.2128C>G (p.Leu710Val)

Gene: MTOR (mechanistic target of rapamycin kinase; minus strand). Cytogenetic location: 1p36.22.
Variant type: single nucleotide variant.
Coding change: c.2128C>G on transcript NM_004958.4 (MANE Select); coding-DNA position 2128, C replaced by G.
Protein change: p.Leu710Val; replaces leucine 710 with valine.
Molecular consequence: missense variant.
Genome position (GRCh38, 1-based): chr1:11,237,923, G>C on the plus strand (C>G on the coding strand, the complement: MTOR is on the minus strand). VCF-style: chr1-11237923-G-C. GRCh37 (hg19) VCF-style: chr1-11297980-G-C.
Other names: c.2128C>G (LRG_734t1); short protein forms L710V.
Identifiers: ClinVar variation 641496 (VCV000641496.11), dbSNP rs770434848, ClinGen allele CA590567.